The following is an entry in ClinVar:

NM_000234.3(LIG1):c.141C>T (p.Ser47=)

Gene: LIG1 (DNA ligase 1; minus strand). Cytogenetic location: 19q13.33.
Variant type: single nucleotide variant.
Coding change: c.141C>T on transcript NM_000234.3 (MANE Select); coding-DNA position 141, C replaced by T.
Protein change: p.Ser47=; no amino-acid change (serine 47 retained).
Molecular consequence: synonymous variant. On other transcripts: non-coding transcript variant (6).
Genome position (GRCh38, 1-based): chr19:48,161,474, G>A on the plus strand (C>T on the coding strand, the complement: LIG1 is on the minus strand). VCF-style: chr19-48161474-G-A. GRCh37 (hg19) VCF-style: chr19-48664731-G-A.
Other names: c.51C>T, p.Ser17= (NM_001289063.2, NM_001320971.2); c.141C>T, p.Ser47= (NM_001289064.2, NM_001320970.2); c.141C>T (NM_000234.2).
Identifiers: ClinVar variation 1596084 (VCV001596084.11), dbSNP rs142284697, ClinGen allele CA9547416.

ClinVar aggregate classification (germline): Likely benign. Review status: criteria provided, multiple submitters, no conflicts (2 of 4 stars). 3 submissions from 3 submitters: Likely benign (2). 1 of the submissions does not count toward it. Last evaluated 2025-08-21.

Conditions:
LIG1-related disorder. Also called: LIG1-related condition.

Allele frequency attached by ClinVar (database versions not stated): gnomAD exomes 0.00009 and 0.00014; ExAC 0.00013; TOPMed 0.00015; gnomAD 0.00027 and 0.00028; 1000 Genomes Project 30x 0.00047; 1000 Genomes Project 0.00060.
gnomAD v4.1: 172 of 1,614,046 alleles (0.011%); highest among the groups gnomAD compares: African/African-American, 0.063%; no homozygotes.

Submissions (3):

Labcorp Genetics (formerly Invitae), Labcorp
Classification: Likely benign. Last evaluated: 2025-08-21. Review status: criteria provided, single submitter. Criteria: Invitae Variant Classification Sherloc (09022015). Collection method: clinical testing. Allele origin: germline.

Blueprint Genetics
Classification: Likely benign. Last evaluated: 2024-09-11. Review status: criteria provided, single submitter. Criteria: ACMG Guidelines, 2015. Collection method: clinical testing. Allele origin: germline.

PreventionGenetics, part of Exact Sciences
Classification: Likely benign for LIG1-related condition. Last evaluated: 2019-04-25. Review status: no assertion criteria provided. Collection method: clinical testing. Allele origin: germline. Not counted in ClinVar's aggregate classification.
Comment: This variant is classified as likely benign based on ACMG/AMP sequence variant interpretation guidelines (Richards et al. 2015 PMID: 25741868, with internal and published modifications).